The following is an entry in ClinVar:

NM_000169.3(GLA):c.779G>A (p.Gly260Glu)

Genes: GLA (galactosidase alpha; minus strand), RPL36A-HNRNPH2 (RPL36A-HNRNPH2 readthrough; plus strand). Cytogenetic location: Xq22.1.
Variant type: single nucleotide variant.
Coding change: c.779G>A on transcript NM_000169.3 (MANE Select); coding-DNA position 779, G replaced by A.
Protein change: p.Gly260Glu; replaces glycine 260 with glutamic acid.
Molecular consequence: missense variant. On other transcripts: non-coding transcript variant (3), intron variant (2).
Genome position (GRCh38, 1-based): chrX:101,398,807, C>T on the plus strand (G>A on the coding strand, the complement: GLA is on the minus strand). VCF-style: chrX-101398807-C-T. GRCh37 (hg19) VCF-style: chrX-100653795-C-T.
Other names: c.902G>A, p.Gly301Glu (NM_001406747.1); c.779G>A, p.Gly260Glu (NM_001406748.1); c.300+3350C>T (NM_001199973.2); c.177+6985C>T (NM_001199974.2); short protein forms G260E, G301E.
Identifiers: ClinVar variation 3724321 (VCV003724321.5).
Genomic context (GRCh38, chrX:101,398,807, plus strand): 5'-ACCGCAGGGTCTTGAACAAGGAGGGCTCAAGTTTTTACCATATCTGGGTCATTCCAACCC[C>T]CTGGTCCAGCAACATCAACAATTCTCTCCTGGTTAAAAGATGTCCAGTCCAAGATACTCT-3'
Protein context (NP_000160.1, residues 250-270): QERIVDVAGP[Gly260Glu]GWNDPDMLVI

ClinVar aggregate classification (germline): Pathogenic/Likely pathogenic. Review status: criteria provided, multiple submitters, no conflicts (2 of 4 stars). 3 submissions from 3 submitters: Pathogenic (1); Likely pathogenic (2). Last evaluated 2026-09-08.

Conditions:
Fabry disease. Also called: ALPHA-GALACTOSIDASE A DEFICIENCY; Fabry's disease; Ceramide trihexosidosis; Angiokeratoma corporis diffusum; ANDERSON-FABRY DISEASE; CERAMIDE TRIHEXOSIDASE DEFICIENCY. Identifiers: Orphanet 324, MedGen C0002986, MONDO:0010526, OMIM 301500, HP:0001071. Disease mechanism: loss of function, Fabry disease is due to inactivating mutations in the X-linked GLA gene resulting in deficiency of the enzyme Alpha Galactosidase-A..

Submissions (3):

Genomenon, Inc
Classification: Likely pathogenic for Fabry disease. Last evaluated: 2026-09-08. Review status: criteria provided, single submitter. Criteria: Genomenon Sequence Variant Interpretation Standards - Updated. Collection method: curation. Allele origin: germline. Affected: yes.
Comment: GLA p.Gly260Glu (c.779G>A) is a missense variant that changes the amino acid at codon 260 from Glycine to Glutamic acid. This variant has been observed in at least one proband with clinical features consistent with Fabry disease (PMID:30261035;32719972;18057066;36788754;32203225;38308295;39182239). The variant was found to segregate with disease in at least one affected family (PMID:39182239). Functional or patient cell studies have been reported (PMID:18057066;27657681;35722479). This variant is located in a mutational hotspot and/or important functional domain. It is absent or not present at a significant frequency in gnomAD. In silico models predict that this variant is possibly or probably damaging. In conclusion, we classify GLA p.Gly260Glu (c.779G>A) as a likely pathogenic variant.

GeneDx
Classification: Likely pathogenic. Last evaluated: 2024-08-19. Review status: criteria provided, single submitter. Criteria: GeneDx Variant Classification Process June 2021. Collection method: clinical testing. Allele origin: germline. Affected: yes.
Comment: Not observed at significant frequency in large population cohorts (gnomAD); In silico analysis supports that this missense variant has a deleterious effect on protein structure/function; This variant is associated with the following publications: (PMID: 18057066, 36788754)

Labcorp Genetics (formerly Invitae), Labcorp
Classification: Pathogenic for Fabry disease. Last evaluated: 2024-05-21. Review status: criteria provided, single submitter. Criteria: Invitae Variant Classification Sherloc (09022015). Collection method: clinical testing. Allele origin: germline.
Comment: This sequence change replaces glycine, which is neutral and non-polar, with glutamic acid, which is acidic and polar, at codon 260 of the GLA protein (p.Gly260Glu). This variant is not present in population databases (gnomAD no frequency). This missense change has been observed in individual(s) with Fabry disease (PMID: 18057066, 30261035; Invitae). Advanced modeling of protein sequence and biophysical properties (such as structural, functional, and spatial information, amino acid conservation, physicochemical variation, residue mobility, and thermodynamic stability) performed at Invitae indicates that this missense variant is expected to disrupt GLA protein function with a positive predictive value of 80%. This variant disrupts the p.Gly260 amino acid residue in GLA. Other variant(s) that disrupt this residue have been determined to be pathogenic (PMID: 25974833; Invitae). This suggests that this residue is clinically significant, and that variants that disrupt this residue are likely to be disease-causing. For these reasons, this variant has been classified as Pathogenic.

Literature cited by the submitters: PubMed 30261035 (cited by Genomenon, Inc and Labcorp Genetics (formerly Invitae), Labcorp); PubMed 32719972 (cited by Genomenon, Inc); PubMed 18057066 (cited by Genomenon, Inc and Labcorp Genetics (formerly Invitae), Labcorp); PubMed 36788754 (cited by Genomenon, Inc); PubMed 32203225 (cited by Genomenon, Inc); PubMed 38308295 (cited by Genomenon, Inc); PubMed 39182239 (cited by Genomenon, Inc); PubMed 27657681 (cited by Genomenon, Inc); PubMed 35722479 (cited by Genomenon, Inc); PubMed 25974833 (cited by Labcorp Genetics (formerly Invitae), Labcorp).